The following is an entry in ClinVar:

NM_001378183.1(PIEZO2):c.947C>A (p.Thr316Lys)

Gene: PIEZO2 (piezo type mechanosensitive ion channel component 2; minus strand). Cytogenetic location: 18p11.22.
Variant type: single nucleotide variant.
Coding change: c.947C>A on transcript NM_001378183.1 (MANE Select); coding-DNA position 947, C replaced by A.
Protein change: p.Thr316Lys; replaces threonine 316 with lysine.
Molecular consequence: missense variant.
Genome position (GRCh38, 1-based): chr18:10,807,245, G>T on the plus strand (C>A on the coding strand, the complement: PIEZO2 is on the minus strand). VCF-style: chr18-10807245-G-T. GRCh37 (hg19) VCF-style: chr18-10807243-G-T.
Other names: c.947C>A, p.Thr316Lys (NM_022068.4); short protein forms T316K.
Identifiers: ClinVar variation 708613 (VCV000708613.15), dbSNP rs374993280, ClinGen allele CA8892795.

ClinVar aggregate classification (germline): Conflicting classifications of pathogenicity. Review status: criteria provided, conflicting classifications (1 of 4 stars). 4 submissions from 4 submitters: Uncertain significance (2); Likely benign (2). Last evaluated 2025-11-10.

Conditions:
PIEZO2-related disorder. Also called: PIEZO2-related disorders; PIEZO2-related condition.
Inborn genetic diseases. Identifiers: MedGen C0950123, MeSH D030342.

Allele frequency attached by ClinVar (database versions not stated): gnomAD 0.00019; ExAC 0.00026; TOPMed 0.00036; ESP Exome Variant Server 0.00088; 1000 Genomes Project 30x 0.00141; 1000 Genomes Project 0.00160.
gnomAD v4.1: 182 of 1,536,780 alleles (0.012%); highest among the groups gnomAD compares: Middle Eastern, 0.13%; no homozygotes.

Submissions (4):

Labcorp Genetics (formerly Invitae), Labcorp
Classification: Likely benign. Last evaluated: 2025-11-10. Review status: criteria provided, single submitter. Criteria: Invitae Variant Classification Sherloc (09022015). Collection method: clinical testing. Allele origin: germline.

GeneDx
Classification: Uncertain significance. Last evaluated: 2025-09-09. Review status: criteria provided, single submitter. Criteria: GeneDx Variant Classification Process June 2021. Collection method: clinical testing. Allele origin: germline. Affected: yes.
Comment: In silico analysis supports that this missense variant has a deleterious effect on protein structure/function; Has not been previously published as pathogenic or benign to our knowledge

Ambry Genetics
Classification: Uncertain significance for Inborn genetic diseases. Last evaluated: 2025-06-24. Review status: criteria provided, single submitter. Criteria: Ambry Variant Classification Scheme 2023. Collection method: clinical testing. Allele origin: germline.

PreventionGenetics, part of Exact Sciences
Classification: Likely benign for PIEZO2-related condition. Last evaluated: 2025-02-11. Review status: criteria provided, single submitter. Criteria: ACMG Guidelines, 2015. Collection method: clinical testing. Allele origin: germline.
Comment: This variant is classified as likely benign based on ACMG/AMP sequence variant interpretation guidelines (Richards et al. 2015 PMID: 25741868, with internal and published modifications).